The following is an entry in ClinVar:

ClinVar aggregate classification (germline): Likely pathogenic (1 of 4 stars; one submission).

Conditions:
Retinoblastoma (RB1). Also called: RETINOBLASTOMA, SOMATIC. Identifiers: Orphanet 790, MedGen C0035335, MeSH D012175, MONDO:0008380, OMIM 180200, HP:0009919. Disease mechanism: loss of function. Inheritance: Both sporadic and heritable forms are tested..

Submission:

Genetic Diagnostic Laboratory, University of Pennsylvania School of Medicine
Classification: Likely pathogenic for Retinoblastoma. Last evaluated: 2024-05-20. Review status: criteria provided, single submitter. Criteria: ACMG Guidelines, 2015. Collection method: clinical testing. Allele origin: germline. Affected: yes. Observed: 1 variant allele.
Comment: Case and Pedigree Information: BILATERAL CASES:1, UNILATERAL CASES:0, TOTAL CASES:1, PEDIGREES:1. ACMG Codes Applied:PM1, PM2, PS4SUP, PP3

NM_000321.3(RB1):c.2104C>A (p.Gln702Lys)

Gene: RB1 (RB transcriptional corepressor 1; plus strand). Cytogenetic location: 13q14.2.
Variant type: single nucleotide variant.
Coding change: c.2104C>A on transcript NM_000321.3 (MANE Select); coding-DNA position 2104, C replaced by A.
Protein change: p.Gln702Lys; replaces glutamine 702 with lysine.
Molecular consequence: missense variant.
Genome position (GRCh38, 1-based): chr13:48,459,831, C>A. VCF-style: chr13-48459831-C-A. GRCh37 (hg19) VCF-style: chr13-49033967-C-A.
Other names: c.2104C>A, p.Gln702Lys (NM_001407165.1); short protein forms Q702K.
Identifiers: ClinVar variation 3237063 (VCV003237063.1), dbSNP rs1131690865.